The following is an entry in ClinVar:

NM_006623.4(PHGDH):c.367C>T (p.Gln123Ter)

Gene: PHGDH (phosphoglycerate dehydrogenase; plus strand). Cytogenetic location: 1p12.
Variant type: single nucleotide variant.
Coding change: c.367C>T on transcript NM_006623.4 (MANE Select); coding-DNA position 367, C replaced by T.
Protein change: p.Gln123Ter; replaces glutamine 123 with a stop codon.
Molecular consequence: nonsense.
Genome position (GRCh38, 1-based): chr1:119,726,861, C>T. VCF-style: chr1-119726861-C-T. GRCh37 (hg19) VCF-style: chr1-120269484-C-T.
Other names: c.367C>T (NM_006623.3); short protein forms Q123*.
Identifiers: ClinVar variation 4761805 (VCV004761805.3).

ClinVar aggregate classification (germline): Pathogenic/Likely pathogenic. Review status: criteria provided, multiple submitters, no conflicts (2 of 4 stars). 3 submissions from 3 submitters: Pathogenic (1); Likely pathogenic (2). Last evaluated 2025-06-11.

Conditions:
PHGDH deficiency. Identifiers: Orphanet 79351, MedGen C1866174, MONDO:0011152, OMIM 601815.

Submissions (3):

Labcorp Genetics (formerly Invitae), Labcorp
Classification: Pathogenic for PHGDH deficiency. Last evaluated: 2025-06-11. Review status: criteria provided, single submitter. Criteria: Invitae Variant Classification Sherloc (09022015). Collection method: clinical testing. Allele origin: germline.
Comment: This sequence change creates a premature translational stop signal (p.Gln123*) in the PHGDH gene. It is expected to result in an absent or disrupted protein product. Loss-of-function variants in PHGDH are known to be pathogenic (PMID: 14645240, 24836451). This variant is not present in population databases (gnomAD no frequency). This variant has not been reported in the literature in individuals affected with PHGDH-related conditions. For these reasons, this variant has been classified as Pathogenic.

Natera, Inc.
Classification: Likely pathogenic for Phosphoglycerate dehydrogenase deficiency. Last evaluated: 2024-09-30. Review status: criteria provided, single submitter. Criteria: Natera Variant Classification Schema (03/2026). Collection method: clinical testing. Allele origin: germline.
Comment: The c.367C>T variant in PHGDH is a nonsense variant predicted to introduce a stop codon at amino acid 123. This variant is expected to result in nonsense mediated decay, truncation, or a dysfunctional protein product. This variant is rare in the general population with a frequency below the threshold expected for the associated phenotype(s). Given the available evidence, this variant is classified as Likely Pathogenic.

Kariminejad - Najmabadi Pathology & Genetics Center
Classification: Likely pathogenic for PHGDH deficiency. Review status: criteria provided, single submitter. Criteria: ACMG Guidelines, 2015. Collection method: clinical testing. Allele origin: germline. Affected: no.

Literature cited by the submitters: PubMed 14645240 (cited by Labcorp Genetics (formerly Invitae), Labcorp); PubMed 24836451 (cited by Labcorp Genetics (formerly Invitae), Labcorp).